The following is an entry in ClinVar:

NM_001742.4(CALCR):c.521+3A>G

Gene: CALCR (calcitonin receptor; minus strand). Cytogenetic location: 7q21.3.
Variant type: single nucleotide variant.
Coding change: c.521+3A>G on transcript NM_001742.4 (MANE Select); 3 bases into the intron after coding-DNA position 521, A replaced by G.
Molecular consequence: intron variant.
Genome position (GRCh38, 1-based): chr7:93,468,712, T>C on the plus strand (A>G on the coding strand, the complement: CALCR is on the minus strand). VCF-style: chr7-93468712-T-C. GRCh37 (hg19) VCF-style: chr7-93098024-T-C.
Other names: c.521+3A>G (NM_001164737.3, NM_001164738.2).
Identifiers: ClinVar variation 2657679 (VCV002657679.24), dbSNP rs1562985815, ClinGen allele CA1726350221.
Genomic context (GRCh38, chr7:93,468,712, plus strand): 5'-TTCACCATTCGTTTCAGTAACTTAAAGGAGGAAATAAAGAGCAGATGCTGTGAGTGTACT[T>C]ACCTGAAAAACACGAAAATCCCCAGGGAAATCACTAGGGTGAAAATTGACAAAGAATGAC-3'

ClinVar aggregate classification (germline): Likely benign (1 of 4 stars; one submission).

Allele frequency attached by ClinVar (database versions not stated): gnomAD exomes below 0.00001.
gnomAD v4.1: 3 of 1,597,114 alleles (0.00019%); highest among the groups gnomAD compares: Non-Finnish European, 0.00026%; no homozygotes.

Submission:

CeGaT Center for Human Genetics Tuebingen
Classification: Likely benign. Last evaluated: 2022-11-01. Review status: criteria provided, single submitter. Criteria: CeGaT Center For Human Genetics Tuebingen Variant Classification Criteria Version 2. Collection method: clinical testing. Allele origin: germline. Affected: yes. Observed: 1 variant allele.
Comment: CALCR: BP4